The following is an entry in ClinVar:

NM_001321120.2(TBX4):c.703-2A>G

Gene: TBX4 (T-box transcription factor 4; plus strand). Cytogenetic location: 17q23.2.
Variant type: single nucleotide variant.
Coding change: c.703-2A>G on transcript NM_001321120.2 (MANE Select); the canonical splice acceptor site of the intron before coding-DNA position 703, A replaced by G.
Molecular consequence: splice acceptor variant.
Genome position (GRCh38, 1-based): chr17:61,479,879, A>G. VCF-style: chr17-61479879-A-G. GRCh37 (hg19) VCF-style: chr17-59557240-A-G.
Other names: c.703-2A>G (NM_018488.3).
Identifiers: ClinVar variation 4730630 (VCV004730630.1).

ClinVar aggregate classification (germline): Likely pathogenic (1 of 4 stars; one submission).

Submission:

Labcorp Genetics (formerly Invitae), Labcorp
Classification: Likely pathogenic. Last evaluated: 2026-01-15. Review status: criteria provided, single submitter. Criteria: Invitae Variant Classification Sherloc (09022015). Collection method: clinical testing. Allele origin: germline.
Comment: This sequence change affects an acceptor splice site in intron 5 of the TBX4 gene. It is expected to disrupt RNA splicing. Variants that disrupt the donor or acceptor splice site typically lead to a loss of protein function (PMID: 16199547), and loss-of-function variants in TBX4 are known to be pathogenic (PMID: 15106123, 31151956, 31761294, 31965066, 32079640). This variant is not present in population databases (gnomAD no frequency). Disruption of this splice site has been observed in individual(s) with pulmonary arterial hypertension (internal data). Algorithms developed to predict the effect of sequence changes on RNA splicing suggest that this variant may disrupt the consensus splice site. In summary, the currently available evidence indicates that the variant is pathogenic, but additional data are needed to prove that conclusively. Therefore, this variant has been classified as Likely Pathogenic.

Literature cited by the submitters: PubMed 16199547; PubMed 15106123; PubMed 31151956; PubMed 31761294; PubMed 31965066; PubMed 32079640.